The following is an entry in ClinVar:

NM_001369.3(DNAH5):c.251A>C (p.Tyr84Ser)

Gene: DNAH5 (dynein axonemal heavy chain 5; minus strand). Cytogenetic location: 5p15.2.
Variant type: single nucleotide variant.
Coding change: c.251A>C on transcript NM_001369.3 (MANE Select); coding-DNA position 251, A replaced by C.
Protein change: p.Tyr84Ser; replaces tyrosine 84 with serine.
Molecular consequence: missense variant.
Genome position (GRCh38, 1-based): chr5:13,928,120, T>G on the plus strand (A>C on the coding strand, the complement: DNAH5 is on the minus strand). VCF-style: chr5-13928120-T-G. GRCh37 (hg19) VCF-style: chr5-13928229-T-G.
Other names: c.251A>C (NM_001369.2); short protein forms Y84S.
Identifiers: ClinVar variation 3693554 (VCV003693554.3).

ClinVar aggregate classification (germline): Uncertain significance. Review status: criteria provided, multiple submitters, no conflicts (2 of 4 stars). 2 submissions from 2 submitters: Uncertain significance (2). Last evaluated 2026-02-01.

Conditions:
Primary ciliary dyskinesia. Also called: Ciliary dyskinesia. Identifiers: Orphanet 244, MedGen C0008780, MONDO:0016575, HP:0012265.

gnomAD v4.1: 4 of 1,613,996 alleles (0.00025%); highest among the groups gnomAD compares: Admixed American, 0.0067%; no homozygotes.

Submissions (2):

Labcorp Genetics (formerly Invitae), Labcorp
Classification: Uncertain significance for Primary ciliary dyskinesia. Last evaluated: 2026-02-01. Review status: criteria provided, single submitter. Criteria: Invitae Variant Classification Sherloc (09022015). Collection method: clinical testing. Allele origin: germline.
Comment: This sequence change replaces tyrosine, which is neutral and polar, with serine, which is neutral and polar, at codon 84 of the DNAH5 protein (p.Tyr84Ser). This variant is not present in population databases (gnomAD no frequency). This variant has not been reported in the literature in individuals affected with DNAH5-related conditions. ClinVar contains an entry for this variant (Variation ID: 3693554). Invitae Evidence Modeling of protein sequence and biophysical properties (such as structural, functional, and spatial information, amino acid conservation, physicochemical variation, residue mobility, and thermodynamic stability) indicates that this missense variant is not expected to disrupt DNAH5 protein function with a negative predictive value of 95%. In summary, the available evidence is currently insufficient to determine the role of this variant in disease. Therefore, it has been classified as a Variant of Uncertain Significance.

Ambry Genetics
Classification: Uncertain significance for Primary ciliary dyskinesia. Last evaluated: 2025-12-30. Review status: criteria provided, single submitter. Criteria: Ambry Variant Classification Scheme 2023. Collection method: clinical testing. Allele origin: germline.